The following is an entry in ClinVar:

ClinVar aggregate classification (germline): Uncertain significance (1 of 4 stars; one submission).

Submission:

GeneDx
Classification: Uncertain significance. Last evaluated: 2026-03-05. Review status: criteria provided, single submitter. Criteria: GeneDx Variant Classification Process June 2021. Collection method: clinical testing. Allele origin: germline.
Comment: Not observed at significant frequency in large population cohorts (gnomAD); In silico analysis supports that this missense variant has a deleterious effect on protein structure/function; Has not been previously published as pathogenic or benign to our knowledge

NM_004859.4(CLTC):c.4732A>T (p.Arg1578Trp)

Gene: CLTC (clathrin heavy chain; plus strand). Cytogenetic location: 17q23.1.
Variant type: single nucleotide variant.
Coding change: c.4732A>T on transcript NM_004859.4 (MANE Select); coding-DNA position 4732, A replaced by T.
Protein change: p.Arg1578Trp; replaces arginine 1578 with tryptophan.
Molecular consequence: missense variant.
Genome position (GRCh38, 1-based): chr17:59,685,713, A>T. VCF-style: chr17-59685713-A-T. GRCh37 (hg19) VCF-style: chr17-57763074-A-T.
Other names: c.4744A>T, p.Arg1582Trp (NM_001288653.2); short protein forms R1582W, R1578W.
Identifiers: ClinVar variation 5007966 (VCV005007966.1).